The following is an entry in ClinVar:

NM_000245.4(MET):c.1679T>C (p.Ile560Thr)

Gene: MET (MET proto-oncogene, receptor tyrosine kinase; plus strand). Cytogenetic location: 7q31.2.
Variant type: single nucleotide variant.
Coding change: c.1679T>C on transcript NM_000245.4 (MANE Select); coding-DNA position 1679, T replaced by C.
Protein change: p.Ile560Thr; replaces isoleucine 560 with threonine.
Molecular consequence: missense variant.
Genome position (GRCh38, 1-based): chr7:116,741,003, T>C. VCF-style: chr7-116741003-T-C. GRCh37 (hg19) VCF-style: chr7-116381057-T-C.
Other names: c.1679T>C, p.Ile560Thr (NM_001127500.3, NM_001324401.3); c.389T>C, p.Ile130Thr (NM_001324402.2); short protein forms I130T, I560T.
Identifiers: ClinVar variation 4744697 (VCV004744697.1).

ClinVar aggregate classification (germline): Uncertain significance (1 of 4 stars; one submission).

Conditions:
Renal cell carcinoma. Identifiers: Orphanet 217071, MedGen C0007134, MeSH D002292, MONDO:0005086, HP:0005584.

Submission:

Labcorp Genetics (formerly Invitae), Labcorp
Classification: Uncertain significance for Renal cell carcinoma. Last evaluated: 2025-11-14. Review status: criteria provided, single submitter. Criteria: Invitae Variant Classification Sherloc (09022015). Collection method: clinical testing. Allele origin: germline.
Comment: This sequence change replaces isoleucine, which is neutral and non-polar, with threonine, which is neutral and polar, at codon 560 of the MET protein (p.Ile560Thr). This variant is not present in population databases (gnomAD no frequency). This variant has not been reported in the literature in individuals affected with MET-related conditions. Invitae Evidence Modeling of protein sequence and biophysical properties (such as structural, functional, and spatial information, amino acid conservation, physicochemical variation, residue mobility, and thermodynamic stability) indicates that this missense variant is not expected to disrupt MET protein function with a negative predictive value of 80%. In summary, the available evidence is currently insufficient to determine the role of this variant in disease. Therefore, it has been classified as a Variant of Uncertain Significance.